The following is an entry in ClinVar:

ClinVar aggregate classification (germline): Uncertain significance. Review status: criteria provided, multiple submitters, no conflicts (2 of 4 stars). 2 submissions from 2 submitters: Uncertain significance (2). Last evaluated 2025-07-08.

Conditions:
Hypertrophic cardiomyopathy. Also called: HYPERTROPHIC MYOCARDIOPATHY. Identifiers: Orphanet 217569, MedGen C0007194, MeSH D002312, MONDO:0005045, HP:0001639.

Allele frequency attached by ClinVar (database versions not stated): gnomAD exomes below 0.00001; ExAC 0.00001; TOPMed 0.00001; ESP Exome Variant Server 0.00008.

Submissions (2):

Labcorp Genetics (formerly Invitae), Labcorp
Classification: Uncertain significance for Hypertrophic cardiomyopathy. Last evaluated: 2025-07-08. Review status: criteria provided, single submitter. Criteria: Invitae Variant Classification Sherloc (09022015). Collection method: clinical testing. Allele origin: germline.
Comment: This sequence change replaces threonine, which is neutral and polar, with alanine, which is neutral and non-polar, at codon 40 of the MYOM1 protein (p.Thr40Ala). This variant is present in population databases (rs372161153, gnomAD 0.003%). This variant has not been reported in the literature in individuals affected with MYOM1-related conditions. ClinVar contains an entry for this variant (Variation ID: 1062676). An algorithm developed to predict the effect of missense changes on protein structure and function (PolyPhen-2) suggests that this variant is likely to be tolerated. In summary, the available evidence is currently insufficient to determine the role of this variant in disease. Therefore, it has been classified as a Variant of Uncertain Significance.

Ambry Genetics
Classification: Uncertain significance. Last evaluated: 2024-05-22. Review status: criteria provided, single submitter. Criteria: Ambry Variant Classification Scheme 2023. Collection method: clinical testing. Allele origin: germline.
Comment: The p.T40A variant (also known as c.118A>G), located in coding exon 1 of the MYOM1 gene, results from an A to G substitution at nucleotide position 118. The threonine at codon 40 is replaced by alanine, an amino acid with similar properties. This amino acid position is conserved. In addition, this alteration is predicted to be tolerated by in silico analysis. Based on the available evidence, the clinical significance of this variant remains unclear.

NM_003803.4(MYOM1):c.118A>G (p.Thr40Ala)

Gene: MYOM1 (myomesin 1; minus strand). Cytogenetic location: 18p11.31.
Variant type: single nucleotide variant.
Coding change: c.118A>G on transcript NM_003803.4 (MANE Select); coding-DNA position 118, A replaced by G.
Protein change: p.Thr40Ala; replaces threonine 40 with alanine.
Molecular consequence: missense variant.
Genome position (GRCh38, 1-based): chr18:3,215,106, T>C on the plus strand (A>G on the coding strand, the complement: MYOM1 is on the minus strand). VCF-style: chr18-3215106-T-C. GRCh37 (hg19) VCF-style: chr18-3215104-T-C.
Other names: c.118A>G, p.Thr40Ala (NM_019856.2); c.118A>G (NM_003803.3); short protein forms T40A.
Identifiers: ClinVar variation 1062676 (VCV001062676.11), dbSNP rs372161153, ClinGen allele CA8875355.
Genomic context (GRCh38, chr18:3,215,106, plus strand): 5'-CCTCGGACTCCCGGCGGTGCGCGGCGGAGGAGCGGCTGCTGTAGGCCGTGGAGCCCTGGG[T>C]GTAGACGGCGGAGCGTTTCTTCTCCCGCTGGTAGTGACTCACGGTGCTGCGCACGTCCTT-3'
Protein context (NP_003794.3, residues 30-50): QREKKRSAVY[Thr40Ala]QGSTAYSSRS